The following is an entry in ClinVar:

ClinVar aggregate classification (germline): Benign. Review status: criteria provided, multiple submitters, no conflicts (2 of 4 stars). 2 submissions from 2 submitters: Benign (2). Last evaluated 2018-01-13.

Conditions:
Osteogenesis imperfecta type 11. Also called: OI, TYPE XI; Osteogenesis imperfecta, type XI. Identifiers: Orphanet 666, MedGen C3151218, MONDO:0012592, OMIM 610968.

Allele frequency attached by ClinVar (database versions not stated): gnomAD 0.75828 and 0.76193; gnomAD exomes 0.76731; TOPMed 0.78045; 1000 Genomes Project 0.78754; 1000 Genomes Project 30x 0.79076.
gnomAD v4.1: 239,647 of 313,392 alleles (76%); highest among the groups gnomAD compares: Admixed American, 85%; 92,117 homozygotes.

Submissions (2):

Illumina Laboratory Services, Illumina
Classification: Benign for Osteogenesis imperfecta type 11. Last evaluated: 2018-01-13. Review status: criteria provided, single submitter. Criteria: ICSL Variant Classification Criteria 13 December 2019. Collection method: clinical testing. Allele origin: germline.
Comment: This variant was observed in the ICSL laboratory as part of a predisposition screen in an ostensibly healthy population. It had not been previously curated by ICSL or reported in the Human Gene Mutation Database (HGMD: prior to June 1st, 2018), and was therefore a candidate for classification through an automated scoring system. Utilizing variant allele frequency, disease prevalence and penetrance estimates, and inheritance mode, an automated score was calculated to assess if this variant is too frequent to cause the disease. Based on the score and internal cut-off values, a variant classified as benign is not then subjected to further curation. The score for this variant resulted in a classification of benign for this disease.

Breakthrough Genomics
Classification: Benign. Review status: criteria provided, single submitter. Criteria: ACMG Guidelines, 2015. Collection method: not provided. Allele origin: germline. Inheritance: Autosomal recessive inheritance. Affected: yes.

NM_021939.4(FKBP10):c.*422C>G

Gene: FKBP10 (FKBP prolyl isomerase 10; plus strand). Cytogenetic location: 17q21.2.
Variant type: single nucleotide variant.
Coding change: c.*422C>G on transcript NM_021939.4 (MANE Select); 422 bases downstream of the stop codon, C replaced by G.
Molecular consequence: 3 prime UTR variant.
Genome position (GRCh38, 1-based): chr17:41,822,830, C>G. VCF-style: chr17-41822830-C-G. GRCh37 (hg19) VCF-style: chr17-39979082-C-G.
Identifiers: ClinVar variation 323200 (VCV000323200.6), dbSNP rs1043007, ClinGen allele CA10639621.